The following is an entry in ClinVar:

ClinVar aggregate classification (germline): Uncertain significance. Review status: criteria provided, multiple submitters, no conflicts (2 of 4 stars). 2 submissions from 2 submitters: Uncertain significance (2). Last evaluated 2025-03-08.

Conditions:
Inborn genetic diseases. Identifiers: MedGen C0950123, MeSH D030342.

Allele frequency attached by ClinVar (database versions not stated): ExAC 0.00002; gnomAD 0.00003; TOPMed 0.00003; gnomAD exomes 0.00005; ESP Exome Variant Server 0.00008.
gnomAD v4.1: 76 of 1,613,978 alleles (0.0047%); highest among the groups gnomAD compares: Middle Eastern, 0.016%; no homozygotes.

Submissions (2):

Ambry Genetics
Classification: Uncertain significance for Inborn genetic diseases. Last evaluated: 2025-03-08. Review status: criteria provided, single submitter. Criteria: Ambry Variant Classification Scheme 2023. Collection method: clinical testing. Allele origin: germline.

Labcorp Genetics (formerly Invitae), Labcorp
Classification: Uncertain significance. Last evaluated: 2022-07-09. Review status: criteria provided, single submitter. Criteria: Invitae Variant Classification Sherloc (09022015). Collection method: clinical testing. Allele origin: germline.
Comment: This sequence change replaces glutamic acid, which is acidic and polar, with lysine, which is basic and polar, at codon 3430 of the VPS13D protein (p.Glu3430Lys). This variant is present in population databases (rs368255830, gnomAD 0.004%). This variant has not been reported in the literature in individuals affected with VPS13D-related conditions. Algorithms developed to predict the effect of missense changes on protein structure and function (SIFT, PolyPhen-2, Align-GVGD) all suggest that this variant is likely to be tolerated. In summary, the available evidence is currently insufficient to determine the role of this variant in disease. Therefore, it has been classified as a Variant of Uncertain Significance.

NM_015378.4(VPS13D):c.10288G>A (p.Glu3430Lys)

Gene: VPS13D (vacuolar protein sorting 13 homolog D; plus strand). Cytogenetic location: 1p36.22.
Variant type: single nucleotide variant.
Coding change: c.10288G>A on transcript NM_015378.4 (MANE Select); coding-DNA position 10288, G replaced by A.
Protein change: p.Glu3430Lys; replaces glutamic acid 3430 with lysine.
Molecular consequence: missense variant.
Genome position (GRCh38, 1-based): chr1:12,363,087, G>A. VCF-style: chr1-12363087-G-A. GRCh37 (hg19) VCF-style: chr1-12423143-G-A.
Other names: c.10213G>A, p.Glu3405Lys (NM_018156.4); c.10288G>A (NM_015378.2); short protein forms E3405K, E3430K.
Identifiers: ClinVar variation 2415263 (VCV002415263.3), dbSNP rs368255830, ClinGen allele CA603665.